The following is an entry in ClinVar:

NM_001370785.2(LRRC7):c.1005-7T>A

Gene: LRRC7 (leucine rich repeat containing 7; plus strand). Cytogenetic location: 1p31.1.
Variant type: single nucleotide variant.
Coding change: c.1005-7T>A on transcript NM_001370785.2 (MANE Select); 7 bases into the intron before coding-DNA position 1005, T replaced by A.
Molecular consequence: intron variant.
Genome position (GRCh38, 1-based): chr1:70,011,790, T>A. VCF-style: chr1-70011790-T-A. GRCh37 (hg19) VCF-style: chr1-70477473-T-A.
Other names: c.906-7T>A (NM_001330635.3, NM_001366839.3, NM_001366841.1); c.1005-7T>A (NM_001366838.3); c.1008-7T>A (NM_001350216.3).
Identifiers: ClinVar variation 3360606 (VCV003360606.1).

ClinVar aggregate classification (germline): Uncertain significance (1 of 4 stars; one submission).

Submission:

GeneDx
Classification: Uncertain significance. Last evaluated: 2023-06-28. Review status: criteria provided, single submitter. Criteria: GeneDx Variant Classification Process June 2021. Collection method: clinical testing. Allele origin: germline. Affected: yes.
Comment: Not observed at significant frequency in large population cohorts (gnomAD); In silico analysis is inconclusive as to whether the variant alters gene splicing. In the absence of RNA/functional studies, the actual effect of this sequence change is unknown.; Has not been previously published as pathogenic or benign to our knowledge; Variants in candidate genes are classified as variants of uncertain significance in accordance with ACMG guidelines (Richards et al., 2015)